The following is an entry in ClinVar:

ClinVar aggregate classification (germline): Likely pathogenic (1 of 4 stars; one submission).

Conditions:
Ehlers-Danlos syndrome, type 4 (EDSVASC). Also called: Ehlers-Danlos syndrome vascular type; Ehlers Danlos syndrome, ecchymotic type; Ehlers Danlos syndrome, arterial type; Ehlers Danlos syndrome, Sack-Barabas type; Ehlers-Danlos Syndrome Type IV. Identifiers: Orphanet 286, MedGen C0268338, MONDO:0017314, OMIM 130050.

Submission:

Labcorp Genetics (formerly Invitae), Labcorp
Classification: Likely pathogenic for Ehlers-Danlos syndrome, type 4. Last evaluated: 2024-07-05. Review status: criteria provided, single submitter. Criteria: Invitae Variant Classification Sherloc (09022015). Collection method: clinical testing. Allele origin: germline.
Comment: This sequence change replaces glycine, which is neutral and non-polar, with valine, which is neutral and non-polar, at codon 537 of the COL3A1 protein (p.Gly537Val). This variant is not present in population databases (gnomAD no frequency). This variant has not been reported in the literature in individuals affected with COL3A1-related conditions. Experimental studies and prediction algorithms are not available or were not evaluated, and the functional significance of this variant is currently unknown. This variant disrupts the triple helix domain of COL3A1. Glycine residues within the Gly-Xaa-Yaa repeats of the triple helix domain are required for the structure and stability of fibrillar collagens (PMID: 7695699, 8218237, 19344236). In COL3A1, variants that affect these glycine residues are significantly enriched in individuals with disease (PMID: 24922459, 25758994) compared to the general population (ExAC). In summary, the currently available evidence indicates that the variant is pathogenic, but additional data are needed to prove that conclusively. Therefore, this variant has been classified as Likely Pathogenic.

Literature cited by the submitters: PubMed 7695699; PubMed 8218237; PubMed 19344236; PubMed 24922459; PubMed 25758994.

NM_000090.4(COL3A1):c.1610G>T (p.Gly537Val)

Gene: COL3A1 (collagen type III alpha 1 chain; plus strand). Cytogenetic location: 2q32.2.
Variant type: single nucleotide variant.
Coding change: c.1610G>T on transcript NM_000090.4 (MANE Select); coding-DNA position 1610, G replaced by T.
Protein change: p.Gly537Val; replaces glycine 537 with valine.
Molecular consequence: missense variant.
Genome position (GRCh38, 1-based): chr2:188,996,126, G>T. VCF-style: chr2-188996126-G-T. GRCh37 (hg19) VCF-style: chr2-189860852-G-T.
Other names: short protein forms G537V.
Identifiers: ClinVar variation 3658822 (VCV003658822.2).